The following is an entry in ClinVar:

ClinVar aggregate classification (germline): Uncertain significance (1 of 4 stars; one submission).

Conditions:
Cardiovascular phenotype. Identifiers: MedGen CN230736.
Hereditary cancer-predisposing syndrome. Also called: Tumor predisposition; Hereditary neoplastic syndrome; Hereditary Cancer Syndrome; Neoplastic Syndromes, Hereditary. Identifiers: Orphanet 140162, MedGen C0027672, MeSH D009386, MONDO:0015356.

Submission:

Ambry Genetics
Classification: Uncertain significance for Cardiovascular phenotype; Hereditary cancer-predisposing syndrome. Last evaluated: 2025-03-22. Review status: criteria provided, single submitter. Criteria: Ambry Variant Classification Scheme 2023. Collection method: clinical testing. Allele origin: germline.
Comment: The p.I628M variant (also known as c.1884T>G), located in coding exon 16 of the LZTR1 gene, results from a T to G substitution at nucleotide position 1884. The isoleucine at codon 628 is replaced by methionine, an amino acid with highly similar properties. This amino acid position is conserved. In addition, the in silico prediction for this alteration is inconclusive. Based on the available evidence, the clinical significance of this variant remains unclear.

NM_006767.4(LZTR1):c.1884T>G (p.Ile628Met)

Gene: LZTR1 (leucine zipper like post translational regulator 1; plus strand). Cytogenetic location: 22q11.21.
Variant type: single nucleotide variant.
Coding change: c.1884T>G on transcript NM_006767.4 (MANE Select); coding-DNA position 1884, T replaced by G.
Protein change: p.Ile628Met; replaces isoleucine 628 with methionine.
Molecular consequence: missense variant.
Genome position (GRCh38, 1-based): chr22:20,994,968, T>G. VCF-style: chr22-20994968-T-G. GRCh37 (hg19) VCF-style: chr22-21349257-T-G.
Other names: short protein forms I628M.
Identifiers: ClinVar variation 3973315 (VCV003973315.1).